The following is an entry in ClinVar:

ClinVar aggregate classification (germline): Uncertain significance (1 of 4 stars; one submission).

Conditions:
Hereditary cancer-predisposing syndrome. Also called: Neoplastic Syndromes, Hereditary; Tumor predisposition; Hereditary neoplastic syndrome; Hereditary Cancer Syndrome. Identifiers: Orphanet 140162, MedGen C0027672, MeSH D009386, MONDO:0015356.

Submission:

Ambry Genetics
Classification: Uncertain significance for Hereditary cancer-predisposing syndrome. Last evaluated: 2024-01-12. Review status: criteria provided, single submitter. Criteria: Ambry Variant Classification Scheme 2023. Collection method: clinical testing. Allele origin: germline.
Comment: The p.P65L variant (also known as c.194C>T), located in coding exon 2 of the FANCC gene, results from a C to T substitution at nucleotide position 194. The proline at codon 65 is replaced by leucine, an amino acid with similar properties. This amino acid position is highly conserved in available vertebrate species. In addition, this alteration is predicted to be deleterious by in silico analysis. Since supporting evidence is limited at this time, the clinical significance of this alteration remains unclear.

NM_000136.3(FANCC):c.194C>T (p.Pro65Leu)

Gene: FANCC (FA complementation group C; minus strand). Cytogenetic location: 9q22.32.
Variant type: single nucleotide variant.
Coding change: c.194C>T on transcript NM_000136.3 (MANE Select); coding-DNA position 194, C replaced by T.
Protein change: p.Pro65Leu; replaces proline 65 with leucine.
Molecular consequence: missense variant.
Genome position (GRCh38, 1-based): chr9:95,247,488, G>A on the plus strand (C>T on the coding strand, the complement: FANCC is on the minus strand). VCF-style: chr9-95247488-G-A. GRCh37 (hg19) VCF-style: chr9-98009770-G-A.
Other names: c.194C>T, p.Pro65Leu (NM_001243743.2, NM_001243744.2); short protein forms P65L.
Identifiers: ClinVar variation 3230374 (VCV003230374.1), dbSNP rs2542843770, ClinGen allele CA374340103.